The following is an entry in ClinVar:

NM_001042432.2(CLN3):c.413del (p.Ser138fs)

Gene: CLN3 (CLN3 lysosomal/endosomal transmembrane protein, battenin; minus strand). Cytogenetic location: 16p12.1.
Variant type: Deletion.
Coding change: c.413del on transcript NM_001042432.2 (MANE Select); coding-DNA position 413, one base deleted (G; older notation c.413delG).
Protein change: p.Ser138fs; shifts the reading frame from serine 138.
Molecular consequence: frameshift variant.
Genome position (GRCh38, 1-based): chr16:28,487,503, C deleted on the plus strand (G on the coding strand, the reverse complement: CLN3 is on the minus strand). VCF-style (leftmost placement, unchanged base first): chr16-28487502-GC-G. GRCh37 (hg19) VCF-style: chr16-28498823-GC-G.
Other names: c.413del, p.Ser138fs (NM_000086.2); c.341del, p.Ser114fs (NM_001286104.2); c.113del, p.Ser38fs (NM_001286105.2); c.179del, p.Ser60fs (NM_001286109.2); c.251del, p.Ser84fs (NM_001286110.2); short protein forms S138fs, S60fs, S114fs, S84fs, S38fs.
Identifiers: ClinVar variation 2008352 (VCV002008352.4), dbSNP rs2506492224, ClinGen allele CA2580091404.

ClinVar aggregate classification (germline): Pathogenic (1 of 4 stars; one submission).

Conditions:
Neuronal ceroid lipofuscinosis. Also called: Neuronal Ceroid Lipofuscinoses. Identifiers: Orphanet 216, Orphanet 79263, MedGen C0027877, MONDO:0016295. Disease mechanism: loss of function.

Submission:

Labcorp Genetics (formerly Invitae), Labcorp
Classification: Pathogenic for Neuronal ceroid lipofuscinosis. Last evaluated: 2022-06-21. Review status: criteria provided, single submitter. Criteria: Invitae Variant Classification Sherloc (09022015). Collection method: clinical testing. Allele origin: germline.
Comment: For these reasons, this variant has been classified as Pathogenic. This variant has not been reported in the literature in individuals affected with CLN3-related conditions. This variant is not present in population databases (gnomAD no frequency). This sequence change creates a premature translational stop signal (p.Ser138Thrfs*43) in the CLN3 gene. It is expected to result in an absent or disrupted protein product. Loss-of-function variants in CLN3 are known to be pathogenic (PMID: 9311735, 28542676).

Literature cited by the submitters: PubMed 9311735; PubMed 28542676.